The following is an entry in ClinVar:

ClinVar aggregate classification (germline): Uncertain significance (1 of 4 stars; one submission).

Conditions:
Emery-Dreifuss muscular dystrophy 5, autosomal dominant (EDMD5). Also called: EMERY-DREIFUSS MUSCULAR DYSTROPHY 5. Identifiers: Orphanet 261, MedGen C2751805, MONDO:0013072, OMIM 612999.

gnomAD v4.1: 4 of 1,614,040 alleles (0.00025%); highest among the groups gnomAD compares: African/African-American, 0.0013%; no homozygotes.

Submission:

Centre for Mendelian Genomics, University Medical Centre Ljubljana
Classification: Uncertain significance for Emery-Dreifuss muscular dystrophy 5, autosomal dominant. Last evaluated: 2020-04-02. Review status: criteria provided, single submitter. Criteria: ACMG Guidelines, 2015. Collection method: clinical testing. Allele origin: unknown. Affected: yes.
Comment: This variant was classified as: Uncertain significance. The available evidence on this variant's pathogenicity is insufficient or conflicting. The following ACMG criteria were applied in classifying this variant: PM2,PP3,BP1.

NM_182914.3(SYNE2):c.18005G>T (p.Arg6002Leu)

Gene: SYNE2 (spectrin repeat containing nuclear envelope protein 2; plus strand). Cytogenetic location: 14q23.2.
Variant type: single nucleotide variant.
Coding change: c.18005G>T on transcript NM_182914.3 (MANE Select); coding-DNA position 18005, G replaced by T.
Protein change: p.Arg6002Leu; replaces arginine 6002 with leucine.
Molecular consequence: missense variant.
Genome position (GRCh38, 1-based): chr14:64,190,204, G>T. VCF-style: chr14-64190204-G-T. GRCh37 (hg19) VCF-style: chr14-64656922-G-T.
Other names: c.18005G>T, p.Arg6002Leu (NM_015180.6); short protein forms R6002L.
Identifiers: ClinVar variation 930264 (VCV000930264.3), dbSNP rs764566778, ClinGen allele CA389996323.